The following is an entry in ClinVar:

NM_006939.4(SOS2):c.2255T>A (p.Phe752Tyr)

Gene: SOS2 (SOS Ras/Rho guanine nucleotide exchange factor 2; minus strand). Cytogenetic location: 14q21.3.
Variant type: single nucleotide variant.
Coding change: c.2255T>A on transcript NM_006939.4 (MANE Select); coding-DNA position 2255, T replaced by A.
Protein change: p.Phe752Tyr; replaces phenylalanine 752 with tyrosine.
Molecular consequence: missense variant.
Genome position (GRCh38, 1-based): chr14:50,150,137, A>T on the plus strand (T>A on the coding strand, the complement: SOS2 is on the minus strand). VCF-style: chr14-50150137-A-T. GRCh37 (hg19) VCF-style: chr14-50616855-A-T.
Other names: c.2255T>A (NM_006939.2); short protein forms F752Y.
Identifiers: ClinVar variation 1398750 (VCV001398750.10), dbSNP rs1392882497, ClinGen allele CA389643860.

ClinVar aggregate classification (germline): Uncertain significance. Review status: criteria provided, multiple submitters, no conflicts (2 of 4 stars). 2 submissions from 2 submitters: Uncertain significance (2). Last evaluated 2025-06-01.

Conditions:
Noonan syndrome 9 (NS9). Identifiers: Orphanet 648, MedGen C4225282, MONDO:0014691, OMIM 616559.
Cardiovascular phenotype. Identifiers: MedGen CN230736.

Allele frequency attached by ClinVar (database versions not stated): gnomAD exomes below 0.00001; TOPMed below 0.00001; gnomAD 0.00001.
gnomAD v4.1: 5 of 1,613,336 alleles (0.00031%); highest among the groups gnomAD compares: Non-Finnish European, 0.00042%; no homozygotes.

Submissions (2):

Ambry Genetics
Classification: Uncertain significance for Cardiovascular phenotype. Last evaluated: 2025-06-01. Review status: criteria provided, single submitter. Criteria: Ambry Variant Classification Scheme 2023. Collection method: clinical testing. Allele origin: germline.
Comment: The p.F752Y variant (also known as c.2255T>A), located in coding exon 14 of the SOS2 gene, results from a T to A substitution at nucleotide position 2255. The phenylalanine at codon 752 is replaced by tyrosine, an amino acid with highly similar properties. This amino acid position is conserved. In addition, the in silico prediction for this alteration is inconclusive. Based on the available evidence, the clinical significance of this variant remains unclear.

Labcorp Genetics (formerly Invitae), Labcorp
Classification: Uncertain significance for Noonan syndrome 9. Last evaluated: 2023-08-22. Review status: criteria provided, single submitter. Criteria: Invitae Variant Classification Sherloc (09022015). Collection method: clinical testing. Allele origin: germline.
Comment: ClinVar contains an entry for this variant (Variation ID: 1398750). In summary, the available evidence is currently insufficient to determine the role of this variant in disease. Therefore, it has been classified as a Variant of Uncertain Significance. Advanced modeling of protein sequence and biophysical properties (such as structural, functional, and spatial information, amino acid conservation, physicochemical variation, residue mobility, and thermodynamic stability) performed at Invitae indicates that this missense variant is not expected to disrupt SOS2 protein function. This variant has not been reported in the literature in individuals affected with SOS2-related conditions. This variant is present in population databases (no rsID available, gnomAD 0.002%). This sequence change replaces phenylalanine, which is neutral and non-polar, with tyrosine, which is neutral and polar, at codon 752 of the SOS2 protein (p.Phe752Tyr).